The following is an entry in ClinVar:

ClinVar aggregate classification (germline): Uncertain significance (1 of 4 stars; one submission).

Conditions:
Marfan syndrome (MFS). Also called: MARFAN SYNDROME, TYPE I; Marfan syndrome type 1; Marfan's syndrome; Marfan syndrome, classic; FBN1-Related Marfan Syndrome. Identifiers: Orphanet 284963, Orphanet 558, MedGen C0024796, MONDO:0007947, OMIM 154700.
Familial thoracic aortic aneurysm and aortic dissection (TAAD). Also called: Thoracic aortic aneurysms and dissections. Identifiers: Orphanet 91387, MedGen C4707243, MONDO:0019625.

Submission:

Labcorp Genetics (formerly Invitae), Labcorp
Classification: Uncertain significance for Marfan syndrome; Familial thoracic aortic aneurysm and aortic dissection. Last evaluated: 2023-11-05. Review status: criteria provided, single submitter. Criteria: Invitae Variant Classification Sherloc (09022015). Collection method: clinical testing. Allele origin: germline.
Comment: This sequence change replaces histidine, which is basic and polar, with leucine, which is neutral and non-polar, at codon 277 of the FBN1 protein (p.His277Leu). This variant is not present in population databases (gnomAD no frequency). This variant has not been reported in the literature in individuals affected with FBN1-related conditions. Advanced modeling of protein sequence and biophysical properties (such as structural, functional, and spatial information, amino acid conservation, physicochemical variation, residue mobility, and thermodynamic stability) performed at Invitae indicates that this missense variant is expected to disrupt FBN1 protein function with a positive predictive value of 80%. In summary, the available evidence is currently insufficient to determine the role of this variant in disease. Therefore, it has been classified as a Variant of Uncertain Significance.

NM_000138.5(FBN1):c.830A>T (p.His277Leu)

Gene: FBN1 (fibrillin 1; minus strand). Cytogenetic location: 15q21.1.
Variant type: single nucleotide variant.
Coding change: c.830A>T on transcript NM_000138.5 (MANE Select); coding-DNA position 830, A replaced by T.
Protein change: p.His277Leu; replaces histidine 277 with leucine.
Molecular consequence: missense variant.
Genome position (GRCh38, 1-based): chr15:48,534,112, T>A on the plus strand (A>T on the coding strand, the complement: FBN1 is on the minus strand). VCF-style: chr15-48534112-T-A. GRCh37 (hg19) VCF-style: chr15-48826309-T-A.
Other names: c.830A>T, p.His277Leu (NM_001406716.1, NM_001406717.1); short protein forms H277L.
Identifiers: ClinVar variation 2953575 (VCV002953575.3), dbSNP rs2505655318, ClinGen allele CA392352400.